The following is an entry in ClinVar:

NM_015404.4(WHRN):c.19G>C (p.Gly7Arg)

Gene: WHRN (whirlin; minus strand). Cytogenetic location: 9q32.
Variant type: single nucleotide variant.
Coding change: c.19G>C on transcript NM_015404.4 (MANE Select); coding-DNA position 19, G replaced by C.
Protein change: p.Gly7Arg; replaces glycine 7 with arginine.
Molecular consequence: missense variant.
Genome position (GRCh38, 1-based): chr9:114,504,783, C>G on the plus strand (G>C on the coding strand, the complement: WHRN is on the minus strand). VCF-style: chr9-114504783-C-G. GRCh37 (hg19) VCF-style: chr9-117267063-C-G.
Other names: c.19G>C, p.Gly7Arg (NM_001173425.2); short protein forms G7R.
Identifiers: ClinVar variation 179353 (VCV000179353.31), dbSNP rs572671060, ClinGen allele CA184257.

ClinVar aggregate classification (germline): Conflicting classifications of pathogenicity. Review status: criteria provided, conflicting classifications (1 of 4 stars). 8 submissions from 7 submitters: Uncertain significance (4); Likely benign (4). Last evaluated 2026-01-28.

Conditions:
WHRN-related disorder. Also called: WHRN-related condition.
Autosomal recessive nonsyndromic hearing loss 31. Also called: WHIRLER, MOUSE, HOMOLOG OF. Identifiers: Orphanet 90636, MedGen C1846839, MONDO:0011767, OMIM 607084.
Usher syndrome type 2D. Also called: USHER SYNDROME, TYPE IID. Identifiers: Orphanet 231178, Orphanet 886, MedGen C1568249, MONDO:0012662, OMIM 611383.

Allele frequency attached by ClinVar (database versions not stated): ExAC 0.00116; gnomAD 0.00137 and 0.00141; 1000 Genomes Project 0.00160; TOPMed 0.00160; 1000 Genomes Project 30x 0.00172.
gnomAD v4.1: 576 of 1,459,668 alleles (0.039%); highest among the groups gnomAD compares: African/African-American, 0.39%; 2 homozygotes.

Submissions (8):

Labcorp Genetics (formerly Invitae), Labcorp
Classification: Likely benign. Last evaluated: 2026-01-28. Review status: criteria provided, single submitter. Criteria: Invitae Variant Classification Sherloc (09022015). Collection method: clinical testing. Allele origin: germline.

Blueprint Genetics
Classification: Likely benign. Last evaluated: 2024-11-13. Review status: criteria provided, single submitter. Criteria: ACMG Guidelines, 2015. Collection method: clinical testing. Allele origin: germline.

PreventionGenetics, part of Exact Sciences
Classification: Likely benign for WHRN-related condition. Last evaluated: 2024-11-04. Review status: criteria provided, single submitter. Criteria: ACMG Guidelines, 2015. Collection method: clinical testing. Allele origin: germline.
Comment: This variant is classified as likely benign based on ACMG/AMP sequence variant interpretation guidelines (Richards et al. 2015 PMID: 25741868, with internal and published modifications).

GeneDx
Classification: Uncertain significance. Last evaluated: 2021-03-12. Review status: criteria provided, single submitter. Criteria: GeneDx Variant Classification Process June 2021. Collection method: clinical testing. Allele origin: germline. Affected: yes.
Comment: In silico analysis supports that this missense variant does not alter protein structure/function; Has not been previously published as pathogenic or benign to our knowledge

ARUP Laboratories, Molecular Genetics and Genomics, ARUP Laboratories
Classification: Uncertain significance. Last evaluated: 2020-06-19. Review status: criteria provided, single submitter. Criteria: ARUP Molecular Germline Variant Investigation Process. Collection method: clinical testing. Allele origin: germline.

Illumina Laboratory Services, Illumina
Classification: Uncertain significance for Autosomal recessive nonsyndromic hearing loss 31. Last evaluated: 2017-04-28. Review status: criteria provided, single submitter. Criteria: ICSL Variant Classification Criteria 13 December 2019. Collection method: clinical testing. Allele origin: germline.

Illumina Laboratory Services, Illumina
Classification: Uncertain significance for Usher syndrome type 2D. Last evaluated: 2017-04-28. Review status: criteria provided, single submitter. Criteria: ICSL Variant Classification Criteria 13 December 2019. Collection method: clinical testing. Allele origin: germline.

Laboratory for Molecular Medicine, Mass General Brigham Personalized Medicine
Classification: Likely benign. Last evaluated: 2013-11-09. Review status: criteria provided, single submitter. Criteria: LMM Criteria. Collection method: clinical testing. Allele origin: germline. Observed: 1 variant allele.
Comment: Gly7Arg in Exon 1 of DFNB31: This variant is not expected to have clinical signi ficance because the glycine (Gly) residue at position 7 is not conserved in seve ral species with wallaby, opossum, and platypus having an arginine (Arg) at that position.